The following is an entry in ClinVar:

ClinVar aggregate classification (germline): Uncertain significance. Review status: criteria provided, multiple submitters, no conflicts (2 of 4 stars). 2 submissions from 2 submitters: Uncertain significance (2). Last evaluated 2025-04-03.

Conditions:
Autosomal dominant aplasia and myelodysplasia. Also called: Bone marrow failure syndrome 1. Identifiers: Orphanet 314399, MedGen C3808553, MONDO:0013851, OMIM 614675.

gnomAD v4.1: 5 of 1,614,046 alleles (0.00031%); highest among the groups gnomAD compares: South Asian, 0.0055%; no homozygotes.

Submissions (2):

Ambry Genetics
Classification: Uncertain significance. Last evaluated: 2025-04-03. Review status: criteria provided, single submitter. Criteria: Ambry Variant Classification Scheme 2023. Collection method: clinical testing. Allele origin: germline.
Comment: The p.S103N variant (also known as c.308G>A), located in coding exon 3 of the SRP72 gene, results from a G to A substitution at nucleotide position 308. The serine at codon 103 is replaced by asparagine, an amino acid with highly similar properties. This amino acid position is conserved. In addition, this alteration is predicted to be tolerated by in silico analysis. Based on the available evidence, the clinical significance of this variant remains unclear.

Neuberg Centre For Genomic Medicine, NCGM
Classification: Uncertain significance for Autosomal dominant aplasia and myelodysplasia. Last evaluated: 2023-05-20. Review status: criteria provided, single submitter. Criteria: ACMG Guidelines, 2015. Collection method: clinical testing. Allele origin: germline. Inheritance: Autosomal dominant inheritance. Affected: yes.
Comment: The observed missense c.308G>A(p.Ser103Asn) variant in SRP72 gene has not been reported previously as a pathogenic variant nor a benign variant, to our knowledge. The p.Ser103Asn variant has been reported with allele frequency of 0.001% in gnomAD Exomes. This variant has not been submitted to the ClinVar database. Multiple lines of computational evidences (Polyphen - Benign, SIFT - Tolerated and MutationTaster - Disease causing) predict conflicting evidence on protein structure and function for this variant. The amino acid change p.Ser103Asn in SRP72 is predicted as conserved by GERP++ and PhyloP across 100 vertebrates. The amino acid Ser at position 103 is changed to a Asn changing protein sequence and it might alter its composition and physico-chemical properties. For these reasons, this variant has been classified as a Variant of Uncertain Significance (VUS).

NM_006947.4(SRP72):c.308G>A (p.Ser103Asn)

Gene: SRP72 (signal recognition particle 72; plus strand). Cytogenetic location: 4q12.
Variant type: single nucleotide variant.
Coding change: c.308G>A on transcript NM_006947.4 (MANE Select); coding-DNA position 308, G replaced by A.
Protein change: p.Ser103Asn; replaces serine 103 with asparagine.
Molecular consequence: missense variant. On other transcripts: non-coding transcript variant (1).
Genome position (GRCh38, 1-based): chr4:56,471,797, G>A. VCF-style: chr4-56471797-G-A. GRCh37 (hg19) VCF-style: chr4-57337963-G-A.
Other names: c.308G>A, p.Ser103Asn (NM_001267722.2); c.308G>A (NM_006947.3); short protein forms S103N.
Identifiers: ClinVar variation 3341439 (VCV003341439.2).